The following is an entry in ClinVar:

NM_177438.3(DICER1):c.4226C>A (p.Ala1409Glu)

Gene: DICER1 (dicer 1, ribonuclease III; minus strand). Cytogenetic location: 14q32.13.
Variant type: single nucleotide variant.
Coding change: c.4226C>A on transcript NM_177438.3 (MANE Select); coding-DNA position 4226, C replaced by A.
Protein change: p.Ala1409Glu; replaces alanine 1409 with glutamic acid.
Molecular consequence: missense variant.
Genome position (GRCh38, 1-based): chr14:95,096,694, G>T on the plus strand (C>A on the coding strand, the complement: DICER1 is on the minus strand). VCF-style: chr14-95096694-G-T. GRCh37 (hg19) VCF-style: chr14-95563031-G-T.
Other names: c.4226C>A, p.Ala1409Glu (NM_001195573.1, NM_001271282.3, NM_001291628.2 and 1 more transcripts); short protein forms A1409E.
Identifiers: ClinVar variation 573102 (VCV000573102.11), dbSNP rs776416084, ClinGen allele CA7330873.
Genomic context (GRCh38, chr14:95,096,694, plus strand): 5'-CACATCAGGCTCTCCTCCTCCTCATCCTCCTCCTCGTAATCCTCATCCAGTTTGCCATTC[G>T]CCAGCATGCAGTCTTTTGTCTGAAACGAGGGGGAATGGGGAAGGAGGGGAAACATAGCTG-3'
Protein context (NP_803187.1, residues 1399-1419): KDEMTKDCML[Ala1409Glu]NGKLDEDYEE

ClinVar aggregate classification (germline): Uncertain significance. Review status: criteria provided, multiple submitters, no conflicts (2 of 4 stars). 2 submissions from 2 submitters: Uncertain significance (2). Last evaluated 2025-05-03.

Conditions:
Hereditary cancer-predisposing syndrome. Also called: Hereditary neoplastic syndrome; Neoplastic Syndromes, Hereditary; Hereditary Cancer Syndrome; Tumor predisposition. Identifiers: Orphanet 140162, MedGen C0027672, MeSH D009386, MONDO:0015356.
DICER1-related tumor predisposition. Also called: DICER1 syndrome; DICER1-related pleuropulmonary blastoma cancer predisposition syndrome. Identifiers: Orphanet 284343, MedGen C3839822, MONDO:0100216.

Allele frequency attached by ClinVar (database versions not stated): ExAC 0.00001.
gnomAD v4.1: 4 of 1,609,970 alleles (0.00025%); highest among the groups gnomAD compares: Non-Finnish European, 0.00034%; no homozygotes.

Submissions (2):

Ambry Genetics
Classification: Uncertain significance for Hereditary cancer-predisposing syndrome. Last evaluated: 2025-05-03. Review status: criteria provided, single submitter. Criteria: Ambry Variant Classification Scheme 2023. Collection method: clinical testing. Allele origin: germline.
Comment: The p.A1409E variant (also known as c.4226C>A), located in coding exon 22 of the DICER1 gene, results from a C to A substitution at nucleotide position 4226. The alanine at codon 1409 is replaced by glutamic acid, an amino acid with dissimilar properties. This amino acid position is conserved. In addition, the in silico prediction for this alteration is inconclusive. Based on the available evidence, the clinical significance of this variant remains unclear.

Labcorp Genetics (formerly Invitae), Labcorp
Classification: Uncertain significance for DICER1-related tumor predisposition. Last evaluated: 2022-12-24. Review status: criteria provided, single submitter. Criteria: Invitae Variant Classification Sherloc (09022015). Collection method: clinical testing. Allele origin: germline.
Comment: In summary, the available evidence is currently insufficient to determine the role of this variant in disease. Therefore, it has been classified as a Variant of Uncertain Significance. Algorithms developed to predict the effect of missense changes on protein structure and function (SIFT, PolyPhen-2, Align-GVGD) all suggest that this variant is likely to be tolerated. ClinVar contains an entry for this variant (Variation ID: 573102). This variant has not been reported in the literature in individuals affected with DICER1-related conditions. This variant is not present in population databases (gnomAD no frequency). This sequence change replaces alanine, which is neutral and non-polar, with glutamic acid, which is acidic and polar, at codon 1409 of the DICER1 protein (p.Ala1409Glu).